The following is an entry in ClinVar:

ClinVar aggregate classification (germline): Uncertain significance. Review status: criteria provided, multiple submitters, no conflicts (2 of 4 stars). 2 submissions from 2 submitters: Uncertain significance (2). Last evaluated 2025-05-07.

Conditions:
Charcot-Marie-Tooth disease type 4A. Also called: Charcot-Marie-Tooth disease, demyelinating, autosomal recessive, type 4a. Identifiers: Orphanet 99948, MedGen C1859198, MONDO:0008961, OMIM 214400.
GDAP1-related disorder. Also called: GDAP1-related condition; GDAP1-related disorders.

Allele frequency attached by ClinVar (database versions not stated): gnomAD exomes below 0.00001.
gnomAD v4.1: 2 of 1,614,118 alleles (0.00012%); highest among the groups gnomAD compares: East Asian, 0.0045%; no homozygotes.

Submissions (2):

PreventionGenetics, part of Exact Sciences
Classification: Uncertain significance for GDAP1-related condition. Last evaluated: 2025-05-07. Review status: criteria provided, single submitter. Criteria: ACMG Guidelines, 2015. Collection method: clinical testing. Allele origin: germline.
Comment: The GDAP1 c.866T>A variant is predicted to result in the amino acid substitution p.Phe289Tyr. To our knowledge, this variant has not been reported in the literature or in a large population database (gnomAD), indicating this variant is rare. At this time, the clinical significance of this variant is uncertain due to the absence of conclusive functional and genetic evidence.

Labcorp Genetics (formerly Invitae), Labcorp
Classification: Uncertain significance for Charcot-Marie-Tooth disease type 4A. Last evaluated: 2023-01-30. Review status: criteria provided, single submitter. Criteria: Invitae Variant Classification Sherloc (09022015). Collection method: clinical testing. Allele origin: germline.
Comment: This sequence change replaces phenylalanine, which is neutral and non-polar, with tyrosine, which is neutral and polar, at codon 289 of the GDAP1 protein (p.Phe289Tyr). This variant is not present in population databases (gnomAD no frequency). This variant has not been reported in the literature in individuals affected with GDAP1-related conditions. Algorithms developed to predict the effect of missense changes on protein structure and function are either unavailable or do not agree on the potential impact of this missense change (SIFT: "Tolerated"; PolyPhen-2: "Probably Damaging"; Align-GVGD: "Class C0"). In summary, the available evidence is currently insufficient to determine the role of this variant in disease. Therefore, it has been classified as a Variant of Uncertain Significance.

NM_018972.4(GDAP1):c.866T>A (p.Phe289Tyr)

Gene: GDAP1 (ganglioside induced differentiation associated protein 1; plus strand). Cytogenetic location: 8q21.11.
Variant type: single nucleotide variant.
Coding change: c.866T>A on transcript NM_018972.4 (MANE Select); coding-DNA position 866, T replaced by A.
Protein change: p.Phe289Tyr; replaces phenylalanine 289 with tyrosine.
Molecular consequence: missense variant. On other transcripts: intron variant (1).
Genome position (GRCh38, 1-based): chr8:74,364,156, T>A. VCF-style: chr8-74364156-T-A. GRCh37 (hg19) VCF-style: chr8-75276391-T-A.
Other names: c.662T>A, p.Phe221Tyr (NM_001040875.4); c.539T>A, p.Phe180Tyr (NM_001362929.2, NM_001362932.2); c.692T>A, p.Phe231Tyr (NM_001362930.2); c.694+1103T>A (NM_001362931.2); short protein forms F180Y, F289Y, F231Y, F221Y.
Identifiers: ClinVar variation 2800752 (VCV002800752.4), dbSNP rs2536750521, ClinGen allele CA371550425.
Genomic context (GRCh38, chr8:74,364,156, plus strand): 5'-GAAACGGAAAGCGACCAAACTTGGAAACCTATTACGAGCGTGTCTTGAAGAGAAAAACAT[T>A]TAACAAGGTTTTAGGACATGTCAACAATATATTAATCTCTGCAGTGCTGCCAACAGCATT-3'
Protein context (NP_061845.2, residues 279-299): YYERVLKRKT[Phe289Tyr]NKVLGHVNNI